The following is an entry in ClinVar:

ClinVar aggregate classification (germline): Uncertain significance (1 of 4 stars; one submission).

Conditions:
Hereditary cancer-predisposing syndrome. Also called: Tumor predisposition; Neoplastic Syndromes, Hereditary; Hereditary Cancer Syndrome; Hereditary neoplastic syndrome. Identifiers: Orphanet 140162, MedGen C0027672, MeSH D009386, MONDO:0015356.

gnomAD v4.1: 1 of 1,613,872 alleles (0.000062%); highest among the groups gnomAD compares: Non-Finnish European, 0.000085%; no homozygotes.

Submission:

Ambry Genetics
Classification: Uncertain significance for Hereditary cancer-predisposing syndrome. Last evaluated: 2024-07-15. Review status: criteria provided, single submitter. Criteria: Ambry Variant Classification Scheme 2023. Collection method: clinical testing. Allele origin: germline.
Comment: The p.G67V variant (also known as c.200G>T), located in coding exon 2 of the DICER1 gene, results from a G to T substitution at nucleotide position 200. The glycine at codon 67 is replaced by valine, an amino acid with dissimilar properties. This amino acid position is conserved. In addition, this alteration is predicted to be deleterious by in silico analysis. Based on the available evidence, the clinical significance of this variant remains unclear.

NM_177438.3(DICER1):c.200G>T (p.Gly67Val)

Gene: DICER1 (dicer 1, ribonuclease III; minus strand). Cytogenetic location: 14q32.13.
Variant type: single nucleotide variant.
Coding change: c.200G>T on transcript NM_177438.3 (MANE Select); coding-DNA position 200, G replaced by T.
Protein change: p.Gly67Val; replaces glycine 67 with valine.
Molecular consequence: missense variant. On other transcripts: 5 prime UTR variant (9), non-coding transcript variant (6).
Genome position (GRCh38, 1-based): chr14:95,132,622, C>A on the plus strand (G>T on the coding strand, the complement: DICER1 is on the minus strand). VCF-style: chr14-95132622-C-A. GRCh37 (hg19) VCF-style: chr14-95598959-C-A.
Other names: c.200G>T, p.Gly67Val (NM_001195573.1, NM_001271282.3, NM_001291628.2 and 14 more transcripts); c.-75G>T (NM_001395686.1, NM_001395687.1, NM_001395688.1 and 4 more transcripts); c.-259G>T (NM_001395691.1); c.-1369G>T (NM_001395697.1); short protein forms G67V.
Identifiers: ClinVar variation 3501812 (VCV003501812.1).